The following is an entry in ClinVar:

NM_000238.4(KCNH2):c.3096_3099dup (p.Pro1034fs)

Gene: KCNH2 (potassium voltage-gated channel subfamily H member 2; minus strand). Cytogenetic location: 7q36.1.
Variant type: Duplication.
Coding change: c.3096_3099dup on transcript NM_000238.4 (MANE Select); coding-DNA positions 3096 to 3099, 4 bases duplicated (GCGG; older notation c.3096_3099dupGCGG).
Protein change: p.Pro1034fs; shifts the reading frame from proline 1034.
Molecular consequence: frameshift variant.
Genome position (GRCh38, 1-based): chr7:150,947,381-150,947,384, CCGC duplicated on the plus strand (GCGG on the coding strand, the reverse complement: KCNH2 is on the minus strand); duplicating any 4 consecutive bases within chr7:150,947,381-150,947,385 gives the same sequence; the c. name uses the placement nearest the transcript's 3' end. VCF-style (leftmost placement, unchanged base first): chr7-150947380-G-GCCGC. GRCh37 (hg19) VCF-style: chr7-150644468-G-GCCGC.
Other names: c.3096_3099dupGCGG (NM_000238.3); c.2076_2079dup, p.Pro694fs (NM_172057.3); short protein forms P1034fs, P694fs.
Identifiers: ClinVar variation 200699 (VCV000200699.13), dbSNP rs794728467, ClinGen allele CA305336.

ClinVar aggregate classification (germline): Pathogenic/Likely pathogenic. Review status: criteria provided, multiple submitters, no conflicts (2 of 4 stars). 5 submissions from 5 submitters: Pathogenic (4); Likely pathogenic (1). Last evaluated 2025-11-05.

Conditions:
Cardiovascular phenotype. Identifiers: MedGen CN230736.
Cardiac arrhythmia. Also called: Arrhythmia; Cardiac rhythm disease. Identifiers: MedGen C0003811, MONDO:0007263, HP:0011675.
Long QT syndrome 2 (LQT2). Identifiers: Orphanet 101016, Orphanet 768, MedGen C3150943, MONDO:0013367, OMIM 613688.
Long QT syndrome (LQTS). Identifiers: MedGen C0023976, MeSH D008133, MONDO:0002442. Disease mechanism: loss of function. Inheritance: Various modes of inheritance.

Submissions (5):

Labcorp Genetics (formerly Invitae), Labcorp
Classification: Pathogenic for Long QT syndrome. Last evaluated: 2025-11-05. Review status: criteria provided, single submitter. Criteria: Invitae Variant Classification Sherloc (09022015). Collection method: clinical testing. Allele origin: germline.
Comment: This sequence change creates a premature translational stop signal (p.Pro1034Alafs*86) in the KCNH2 gene. While this is not anticipated to result in nonsense mediated decay, it is expected to disrupt the last 126 amino acid(s) of the KCNH2 protein. This variant is not present in population databases (gnomAD no frequency). This premature translational stop signal has been observed in individual(s) with Romano-Ward syndrome (PMID: 19862833). ClinVar contains an entry for this variant (Variation ID: 200699). This variant disrupts a region of the KCNH2 protein in which other variant(s) (p.Pro1086Alafs*33) have been determined to be pathogenic (PMID: 19716085, 19841300, 21483829; internal data). This suggests that this is a clinically significant region of the protein, and that variants that disrupt it are likely to be disease-causing. For these reasons, this variant has been classified as Pathogenic.

North West Genomic Laboratory Hub, Manchester University NHS Foundation Trust
Classification: Likely pathogenic for Long QT syndrome 2. Last evaluated: 2024-06-27. Review status: criteria provided, single submitter. Criteria: ACGS Best Practice Guidelines for Variant Classification in Rare Disease 2020. Collection method: clinical testing. Allele origin: germline. Affected: yes.
Comment: PM2_Mod PS4_Supp PVS1_Str

Ambry Genetics
Classification: Pathogenic for Cardiovascular phenotype. Last evaluated: 2023-04-21. Review status: criteria provided, single submitter. Criteria: Ambry Variant Classification Scheme 2023. Collection method: clinical testing. Allele origin: germline.
Comment: The c.3096_3099dupGCGG pathogenic mutation, located in coding exon 13 of the KCNH2 gene, results from a duplication of GCGG at nucleotide position 3096 to 3099, causing a translational frameshift with a predicted alternate stop codon (p.P1034Afs*86). This alteration has been reported in association with long QT syndrome (LQTS) (Hedley PL et al. Hum. Mutat., 2009 Nov;30:1486-511). This variant is considered to be rare based on population cohorts in the Genome Aggregation Database (gnomAD). In addition to the clinical data presented in the literature, this alteration is expected to result in loss of function by premature protein truncation or nonsense-mediated mRNA decay. As such, this alteration is interpreted as a disease-causing mutation.

Color Diagnostics, LLC DBA Color Health
Classification: Pathogenic for Cardiac arrhythmia. Last evaluated: 2020-05-24. Review status: criteria provided, single submitter. Criteria: ACMG Guidelines, 2015. Collection method: clinical testing. Allele origin: germline.
Comment: This variant inserts 4 nucleotides in exon 13 of the KCNH2 gene, creating a frameshift and premature translation stop signal. This variant is expected to result in an absent or non-functional protein product. To our knowledge, functional studies have not been reported for this variant. This variant has not been reported in individuals affected with cardiovascular disorders in the literature. This variant has not been identified in the general population by the Genome Aggregation Database (gnomAD). Loss of KCNH2 function is a known mechanism of disease. Based on the available evidence, this variant is classified as Pathogenic.

GeneDx
Classification: Pathogenic for Cardiac arrhythmia. Last evaluated: 2012-03-01. Review status: criteria provided, single submitter. Criteria: GeneDx Variant Classification (06012015). Collection method: clinical testing. Allele origin: germline. Affected: yes.
Comment: The c.3096_3099dupGCGG mutation in the KCNH2 gene has been reported previously in association with LQTS. This mutation causes a shift in reading frame starting at codon Proline 1034, changing it to an Alanine, and creates a premature stop codon at position 86 of the new reading frame. This mutation is expected to result in either an abnormal, truncated protein product or loss of protein from this allele through nonsense-mediated mRNA decay. Other frameshift mutations in the KCNH2 gene have been reported in association with LQTS. The variant is found in LQT panel(s).

Literature cited by the submitters: PubMed 19862833 (cited by Labcorp Genetics (formerly Invitae), Labcorp and Ambry Genetics); PubMed 19716085 (cited by Labcorp Genetics (formerly Invitae), Labcorp); PubMed 19841300 (cited by Labcorp Genetics (formerly Invitae), Labcorp); PubMed 21483829 (cited by Labcorp Genetics (formerly Invitae), Labcorp).